The following is an entry in ClinVar:

NM_138459.5(NUS1):c.251G>A (p.Arg84Gln)

Gene: NUS1 (NUS1 dehydrodolichyl diphosphate synthase subunit; plus strand). Cytogenetic location: 6q22.1.
Variant type: single nucleotide variant.
Coding change: c.251G>A on transcript NM_138459.5 (MANE Select); coding-DNA position 251, G replaced by A.
Protein change: p.Arg84Gln; replaces arginine 84 with glutamine.
Molecular consequence: missense variant.
Genome position (GRCh38, 1-based): chr6:117,675,921, G>A. VCF-style: chr6-117675921-G-A. GRCh37 (hg19) VCF-style: chr6-117997084-G-A.
Other names: short protein forms R84Q.
Identifiers: ClinVar variation 3689715 (VCV003689715.2).

ClinVar aggregate classification (germline): Uncertain significance (1 of 4 stars; one submission).

Conditions:
Congenital disorder of glycosylation, type Iaa. Also called: Congenital disorder of glycosylation, type 1aa. Identifiers: MedGen C4310727, MONDO:0014904, OMIM 617082.

Submission:

Labcorp Genetics (formerly Invitae), Labcorp
Classification: Uncertain significance for Congenital disorder of glycosylation, type Iaa. Last evaluated: 2024-06-09. Review status: criteria provided, single submitter. Criteria: Invitae Variant Classification Sherloc (09022015). Collection method: clinical testing. Allele origin: germline.
Comment: This sequence change replaces arginine, which is basic and polar, with glutamine, which is neutral and polar, at codon 84 of the NUS1 protein (p.Arg84Gln). This variant is not present in population databases (gnomAD no frequency). This variant has not been reported in the literature in individuals affected with NUS1-related conditions. An algorithm developed to predict the effect of missense changes on protein structure and function (PolyPhen-2) suggests that this variant is likely to be disruptive. In summary, the available evidence is currently insufficient to determine the role of this variant in disease. Therefore, it has been classified as a Variant of Uncertain Significance.